The following is an entry in ClinVar:

NM_182961.4(SYNE1):c.2359_2360delinsAA (p.Ala787Lys)

Gene: SYNE1 (spectrin repeat containing nuclear envelope protein 1; minus strand). Cytogenetic location: 6q25.2.
Variant type: Indel.
Coding change: c.2359_2360delinsAA on transcript NM_182961.4 (MANE Select); coding-DNA positions 2359 to 2360, GC replaced by AA.
Protein change: p.Ala787Lys; replaces alanine 787 with lysine.
Molecular consequence: missense variant.
Genome position (GRCh38, 1-based): chr6:152,461,631-152,461,632, GC replaced by TT on the plus strand (GC replaced by AA on the coding strand, the reverse complement: SYNE1 is on the minus strand). VCF-style: chr6-152461631-GC-TT. GRCh37 (hg19) VCF-style: chr6-152782766-GC-TT.
Other names: c.2380_2381delGCinsAA (NM_033071.3); c.2380_2381delinsAA, p.Ala794Lys (NM_033071.5); short protein forms A787K, A794K.
Identifiers: ClinVar variation 658871 (VCV000658871.11), dbSNP rs1593187196, ClinGen allele CA915944508.

ClinVar aggregate classification (germline): Uncertain significance. Review status: criteria provided, multiple submitters, no conflicts (2 of 4 stars). 3 submissions from 3 submitters: Uncertain significance (3). Last evaluated 2025-11-21.

Conditions:
Emery-Dreifuss muscular dystrophy 4, autosomal dominant (EDMD4). Also called: EMERY-DREIFUSS MUSCULAR DYSTROPHY 4 WITH VARIABLE FEATURES. Identifiers: Orphanet 261, MedGen C2751807, MONDO:0013071, OMIM 612998.
Autosomal recessive ataxia, Beauce type. Also called: Spinocerebellar ataxia, autosomal recessive 8; ATAXIA, RECESSIVE, OF BEAUCE; SYNE1-Related Autosomal Recessive Cerebellar Ataxia; SYNE1 Deficiency. Identifiers: Orphanet 88644, MedGen C1853116, MONDO:0012549, OMIM 610743.

Submissions (3):

GeneDx
Classification: Uncertain significance. Last evaluated: 2025-11-21. Review status: criteria provided, single submitter. Criteria: GeneDx Variant Classification Process June 2021. Collection method: clinical testing. Allele origin: germline. Affected: yes.
Comment: Observed with a second SYNE1 variant, phase unknown, in an individual with adult onset ataxia in the published literature (PMID: 31692161); In silico analysis suggests that this variant does not alter protein structure/function; This variant is associated with the following publications: (PMID: 31692161)

Labcorp Genetics (formerly Invitae), Labcorp
Classification: Uncertain significance for Emery-Dreifuss muscular dystrophy 4, autosomal dominant; Autosomal recessive ataxia, Beauce type. Last evaluated: 2024-08-12. Review status: criteria provided, single submitter. Criteria: Invitae Variant Classification Sherloc (09022015). Collection method: clinical testing. Allele origin: germline.
Comment: This sequence change replaces alanine, which is neutral and non-polar, with lysine, which is basic and polar, at codon 794 of the SYNE1 protein (p.Ala794Lys). This variant is present in population databases (no rsID available, gnomAD 0.005%). This missense change has been observed in individual(s) with cerebellar ataxia (PMID: 31692161). ClinVar contains an entry for this variant (Variation ID: 658871). An algorithm developed to predict the effect of missense changes on protein structure and function (PolyPhen-2) suggests that this variant is likely to be disruptive. In summary, the available evidence is currently insufficient to determine the role of this variant in disease. Therefore, it has been classified as a Variant of Uncertain Significance.

Athena Diagnostics
Classification: Uncertain significance. Last evaluated: 2019-08-27. Review status: criteria provided, single submitter. Criteria: Athena Diagnostics Criteria. Collection method: clinical testing. Allele origin: unknown.

Literature cited by the submitters: PubMed 31692161 (cited by Labcorp Genetics (formerly Invitae), Labcorp).